The following is an entry in ClinVar:

NM_001242896.3(DEPDC5):c.2527C>T (p.Arg843Ter)

Gene: DEPDC5 (DEP domain containing 5, GATOR1 subcomplex subunit; plus strand). Cytogenetic location: 22q12.3.
Variant type: single nucleotide variant.
Coding change: c.2527C>T on transcript NM_001242896.3 (MANE Select); coding-DNA position 2527, C replaced by T.
Protein change: p.Arg843Ter; replaces arginine 843 with a stop codon.
Molecular consequence: nonsense. On other transcripts: non-coding transcript variant (5).
Genome position (GRCh38, 1-based): chr22:31,843,106, C>T. VCF-style: chr22-31843106-C-T. GRCh37 (hg19) VCF-style: chr22-32239092-C-T.
Other names: c.2500C>T, p.Arg834Ter (NM_001136029.4, NM_001369903.1, NM_014662.6); c.2293C>T, p.Arg765Ter (NM_001242897.2, NM_001363854.2, NM_001364319.2); c.2527C>T, p.Arg843Ter (NM_001363852.2, NM_001364318.2, NM_001364320.2); c.2443C>T, p.Arg815Ter (NM_001369901.1, NM_001369902.1); short protein forms R843*, R765*, R834*, R815*.
Identifiers: ClinVar variation 180644 (VCV000180644.30), dbSNP rs541024038, ClinGen allele CA10575677.

ClinVar aggregate classification (germline): Pathogenic. Review status: criteria provided, multiple submitters, no conflicts (2 of 4 stars). 13 submissions from 13 submitters: Pathogenic (8). 5 of the submissions do not count toward it. Last evaluated 2025-10-01.

Conditions:
DEPDC5-related disorder. Also called: DEPDC5-related condition; DEPDC5-related related disorder.
Familial focal epilepsy with variable foci (FPEVF). Identifiers: Orphanet 98820, MedGen C1858477, MONDO:0020310.
Epilepsy, familial focal, with variable foci 1 (FFEVF1). Also called: DEPDC5-Related Epilepsy. Identifiers: MedGen C4551983, MONDO:0024556, OMIM 604364.

Allele frequency attached by ClinVar (database versions not stated): TOPMed below 0.00001; gnomAD 0.00001; gnomAD exomes below 0.00001.
gnomAD v4.1: 5 of 1,612,712 alleles (0.00031%); highest among the groups gnomAD compares: South Asian, 0.0011%; no homozygotes.

Submissions (13):

CeGaT Center for Human Genetics Tuebingen
Classification: Pathogenic. Last evaluated: 2025-10-01. Review status: criteria provided, single submitter. Criteria: CeGaT Center For Human Genetics Tuebingen Variant Classification Criteria Version 2. Collection method: clinical testing. Allele origin: germline. Affected: yes. Observed: 1 variant allele.
Comment: DEPDC5: PVS1, PM2, PS4:Moderate

Labcorp Genetics (formerly Invitae), Labcorp
Classification: Pathogenic for Familial focal epilepsy with variable foci. Last evaluated: 2025-04-08. Review status: criteria provided, single submitter. Criteria: Invitae Variant Classification Sherloc (09022015). Collection method: clinical testing. Allele origin: germline.
Comment: This sequence change creates a premature translational stop signal (p.Arg843*) in the DEPDC5 gene. It is expected to result in an absent or disrupted protein product. Loss-of-function variants in DEPDC5 are known to be pathogenic (PMID: 23542697, 23542701). This variant is present in population databases (no rsID available, gnomAD 0.003%). This premature translational stop signal has been observed in individual(s) with autosomal dominant focal epilepsy (PMID: 24283814). ClinVar contains an entry for this variant (Variation ID: 180644). For these reasons, this variant has been classified as Pathogenic.

Department of Neurology, Zibo Changguo Hospital
Classification: Pathogenic for Epilepsy, familial focal, with variable foci 1. Last evaluated: 2025-01-08. Review status: criteria provided, single submitter. Criteria: ACMG Guidelines, 2015. Collection method: clinical testing. Allele origin: maternal. Inheritance: Autosomal dominant inheritance. Affected: yes.
Comment: PVS1, PS4_Moderate, PM2_Supporting, PP1

Blueprint Genetics
Classification: Pathogenic for DEPDC5-related disorders. Last evaluated: 2024-02-09. Review status: criteria provided, single submitter. Criteria: ACMG Guidelines, 2015. Collection method: clinical testing. Allele origin: germline. Affected: yes. Observed: 4 variant alleles.

GeneDx
Classification: Pathogenic. Last evaluated: 2023-10-23. Review status: criteria provided, single submitter. Criteria: GeneDx Variant Classification Process June 2021. Collection method: clinical testing. Allele origin: germline. Affected: yes.
Comment: Nonsense variant predicted to result in protein truncation or nonsense mediated decay in a gene for which loss-of-function is a known mechanism of disease; Not observed at significant frequency in large population cohorts (gnomAD); This variant is associated with the following publications: (PMID: 26704558, 30093711, 24283814, 25032700, 35478072, 33741238, 27683934, 35723786, 23542697)

Genetics and Molecular Pathology, SA Pathology
Classification: Pathogenic for Epilepsy, familial focal, with variable foci 1. Last evaluated: 2021-10-18. Review status: criteria provided, single submitter. Criteria: ACMG Guidelines, 2015. Collection method: clinical testing. Allele origin: germline. Inheritance: Autosomal dominant inheritance. Affected: yes.
Comment: The DEPDC5 c.2527C>T variant is classified as PATHOGENIC (PS4, PVS1) The DEPDC5 c.2527C>T variant is a single nucleotide change which is predicted to result in premature termination of the protein product at codon 843. This recurrent variant has been identified in multiple families with familial focal epilepsy, with variable foci (PMID:23542697, PMID:30093711) (PS4). This variant is in dbSNP (rs541024038) and has been reported in population databases (gnomAD 1/247900 alleles). This variant has been reported in ClinVar as pathogenic for familial focal epilepsy with variable foci, by other diagnostic laboratories (Variation ID:180644), and is also damaging in HGMD for the same condition (CM134019).

Genomic Research Center, Shahid Beheshti University of Medical Sciences
Classification: Pathogenic for Epilepsy, familial focal, with variable foci 1. Last evaluated: 2020-05-03. Review status: criteria provided, single submitter. Criteria: ACMG Guidelines, 2015. Collection method: clinical testing. Allele origin: unknown. Affected: yes.

Neuberg Centre For Genomic Medicine, NCGM
Classification: Pathogenic for Epilepsy, familial focal, with variable foci 1. Review status: criteria provided, single submitter. Criteria: ACMG Guidelines, 2015. Collection method: clinical testing. Allele origin: germline. Inheritance: Autosomal dominant inheritance. Affected: yes.
Comment: The stop gain c.2527C>T (p.Arg843Ter) variant in DEPDC5 gene has been reported previously in individuals affected with DEPDC-related epilepsy (Bagnall et al. 2016; Baldassari et al. 2019). The c.2527C>T variant is reported with an allele frequency of 0.0004% in the gnomAD exomes database. Incomplete penetrance has been reported with this variant (Martin et al. 2014). This variant has been reported to the ClinVar database as Likely Pathogenic / Pathogenic (multiple submissions). The nucleotide change c.2527C>T in DEPDC5 is predicted as conserved by GERP++ and PhyloP across 100 vertebrates. This variant is predicted to cause loss of normal protein function through protein truncation. Loss of function variants have been previously reported to be disease causing. For these reasons, this variant has been classified as Pathogenic.

PreventionGenetics, part of Exact Sciences
Classification: Pathogenic for DEPDC5-related condition. Last evaluated: 2024-05-03. Review status: no assertion criteria provided. Collection method: clinical testing. Allele origin: germline. Not counted in ClinVar's aggregate classification.
Comment: The DEPDC5 c.2527C>T variant is predicted to result in premature protein termination (p.Arg843*). This variant has been reported in multiple individuals with various epilepsy phenotypes and segregated with epilepsy among families (Dibbens et al 2013. PubMed ID: 23542697; Martin C et al 2013. PubMed ID: 24283814; Table S1, Bayat et al. 2022. PubMed ID: 35723786). This variant is reported in 0.0033% of alleles in individuals of South Asian descent in gnomAD. Nonsense variants in DEPDC5 are expected to be pathogenic. This variant is interpreted as pathogenic.

OMIM
Classification: Pathogenic for EPILEPSY, FAMILIAL FOCAL, WITH VARIABLE FOCI 1. Last evaluated: 2014-12-01. Review status: no assertion criteria provided. Collection method: literature only. Allele origin: germline. Not counted in ClinVar's aggregate classification.

GeneReviews
No classification provided. Condition: Epilepsy, familial focal, with variable foci 1. Review status: no classification provided. Collection method: literature only. Allele origin: germline. Not counted in ClinVar's aggregate classification.

Genome Diagnostics Laboratory, Amsterdam University Medical Center
Classification: Pathogenic. Review status: no assertion criteria provided. Collection method: clinical testing. Allele origin: germline. Affected: yes. Study: VKGL Data-share Consensus. Not counted in ClinVar's aggregate classification.

Genome Diagnostics Laboratory, University Medical Center Utrecht
Classification: Pathogenic. Review status: no assertion criteria provided. Collection method: clinical testing. Allele origin: germline. Affected: yes. Study: VKGL Data-share Consensus. Not counted in ClinVar's aggregate classification.

Literature cited by the submitters: PubMed 23542697 (cited by 3 submitters); PubMed 23542701 (cited by Labcorp Genetics (formerly Invitae), Labcorp); PubMed 24283814 (cited by Labcorp Genetics (formerly Invitae), Labcorp and GeneReviews); PubMed 30093711 (cited by Genetics and Molecular Pathology, SA Pathology); Martin, C., Meloche, C., Rioux, M.-F., Nguyen, D. K., Carmant, L., Andermann, E., Gravel, M., Cossette, P. A recurrent mutation in DEPDC5 predisposes to focal epilepsies in the French-Canadian population. Clin. Genet. 86: 570-574, 2014. (cited by OMIM); PubMed 26704558 (cited by GeneReviews); NCBI Bookshelf NBK385626 (cited by GeneReviews).